The following is an entry in ClinVar:

ClinVar aggregate classification (germline): Uncertain significance (1 of 4 stars; one submission).

Conditions:
Charcot-Marie-Tooth disease axonal type 2O. Also called: Charcot-Marie-Tooth disease, axonal, type 20; CHARCOT-MARIE-TOOTH NEUROPATHY, AXONAL, TYPE 2O; CHARCOT-MARIE-TOOTH DISEASE, AXONAL, AUTOSOMAL DOMINANT, TYPE 2O; Charcot-Marie-Tooth Neuropathy Type 2O. Identifiers: Orphanet 284232, MedGen C3280220, MONDO:0013644, OMIM 614228.

Allele frequency attached by ClinVar (database versions not stated): TOPMed below 0.00001.

Submission:

Labcorp Genetics (formerly Invitae), Labcorp
Classification: Uncertain significance for Charcot-Marie-Tooth disease axonal type 2O. Last evaluated: 2023-09-01. Review status: criteria provided, single submitter. Criteria: Invitae Variant Classification Sherloc (09022015). Collection method: clinical testing. Allele origin: germline.
Comment: This sequence change replaces valine, which is neutral and non-polar, with leucine, which is neutral and non-polar, at codon 4035 of the DYNC1H1 protein (p.Val4035Leu). This variant is not present in population databases (gnomAD no frequency). This variant has not been reported in the literature in individuals affected with DYNC1H1-related conditions. An algorithm developed to predict the effect of missense changes on protein structure and function (PolyPhen-2) suggests that this variant is likely to be tolerated. In summary, the available evidence is currently insufficient to determine the role of this variant in disease. Therefore, it has been classified as a Variant of Uncertain Significance.

NM_001376.5(DYNC1H1):c.12103G>T (p.Val4035Leu)

Gene: DYNC1H1 (dynein cytoplasmic 1 heavy chain 1; plus strand). Cytogenetic location: 14q32.31.
Variant type: single nucleotide variant.
Coding change: c.12103G>T on transcript NM_001376.5 (MANE Select); coding-DNA position 12103, G replaced by T.
Protein change: p.Val4035Leu; replaces valine 4035 with leucine.
Molecular consequence: missense variant.
Genome position (GRCh38, 1-based): chr14:102,042,013, G>T. VCF-style: chr14-102042013-G-T. GRCh37 (hg19) VCF-style: chr14-102508350-G-T.
Other names: short protein forms V4035L.
Identifiers: ClinVar variation 2800966 (VCV002800966.3), dbSNP rs2048657351, ClinGen allele CA391038259.
Genomic context (GRCh38, chr14:102,042,013, plus strand): 5'-CCTTGACAGGTACACACTATTTGCTGGCACTGTAATAACTTCTGCCTTCTTTGTTTGCAG[G>T]TGAAGCCCAACACTCCTGTCTTAATGTGCTCTGTGCCTGGTTATGATGCCAGTGGACATG-3'
Protein context (NP_001367.2, residues 4025-4045): LDLTHIVGTE[Val4035Leu]KPNTPVLMCS